The following is an entry in ClinVar:

NM_000257.4(MYH7):c.5791-2A>G

Gene: MYH7 (myosin heavy chain 7; minus strand). Cytogenetic location: 14q11.2.
Variant type: single nucleotide variant.
Coding change: c.5791-2A>G on transcript NM_000257.4 (MANE Select); the canonical splice acceptor site of the intron before coding-DNA position 5791, A replaced by G.
Molecular consequence: splice acceptor variant.
Genome position (GRCh38, 1-based): chr14:23,412,873, T>C on the plus strand (A>G on the coding strand, the complement: MYH7 is on the minus strand). VCF-style: chr14-23412873-T-C. GRCh37 (hg19) VCF-style: chr14-23882082-T-C.
Other names: c.5791-2A>G (NM_001407004.1).
Identifiers: ClinVar variation 3002048 (VCV003002048.3), dbSNP rs1333693269, ClinGen allele CA389033447.

ClinVar aggregate classification (germline): Uncertain significance (1 of 4 stars; one submission).

Conditions:
Hypertrophic cardiomyopathy. Also called: HYPERTROPHIC MYOCARDIOPATHY. Identifiers: Orphanet 217569, MedGen C0007194, MeSH D002312, MONDO:0005045, HP:0001639.

Submission:

Labcorp Genetics (formerly Invitae), Labcorp
Classification: Uncertain significance for Hypertrophic cardiomyopathy. Last evaluated: 2024-01-17. Review status: criteria provided, single submitter. Criteria: Invitae Variant Classification Sherloc (09022015). Collection method: clinical testing. Allele origin: germline.
Comment: This sequence change falls in intron 39 of the MYH7 gene. It does not directly change the encoded amino acid sequence of the MYH7 protein. It affects a nucleotide within the consensus splice site. This variant is not present in population databases (gnomAD no frequency). This variant has not been reported in the literature in individuals affected with MYH7-related conditions. Variants that disrupt the consensus splice site are a relatively common cause of aberrant splicing (PMID: 17576681, 9536098). Algorithms developed to predict the effect of sequence changes on RNA splicing suggest that this variant may disrupt the consensus splice site. In summary, the available evidence is currently insufficient to determine the role of this variant in disease. Therefore, it has been classified as a Variant of Uncertain Significance.

Literature cited by the submitters: PubMed 17576681; PubMed 9536098.